The following is an entry in ClinVar:

ClinVar aggregate classification (germline): Uncertain significance (0 of 4 stars; one submission).

Conditions:
CREBBP-related disorder. Also called: CREBBP-related condition; CREBBP-related disorders.

gnomAD v4.1: 1 of 1,614,008 alleles (0.000062%); highest among the groups gnomAD compares: Non-Finnish European, 0.000085%; no homozygotes.

Submission:

PreventionGenetics, part of Exact Sciences
Classification: Uncertain significance for CREBBP-related condition. Last evaluated: 2023-10-19. Review status: no assertion criteria provided. Collection method: clinical testing. Allele origin: germline.
Comment: The CREBBP c.251C>G variant is predicted to result in the amino acid substitution p.Pro84Arg. To our knowledge, this variant has not been reported in the literature or in a large population database, indicating this variant is rare. At this time, the clinical significance of this variant is uncertain due to the absence of conclusive functional and genetic evidence.

NM_004380.3(CREBBP):c.251C>G (p.Pro84Arg)

Gene: CREBBP (CREB binding lysine acetyltransferase; minus strand). Cytogenetic location: 16p13.3.
Variant type: single nucleotide variant.
Coding change: c.251C>G on transcript NM_004380.3 (MANE Select); coding-DNA position 251, C replaced by G.
Protein change: p.Pro84Arg; replaces proline 84 with arginine.
Molecular consequence: missense variant.
Genome position (GRCh38, 1-based): chr16:3,850,844, G>C on the plus strand (C>G on the coding strand, the complement: CREBBP is on the minus strand). VCF-style: chr16-3850844-G-C. GRCh37 (hg19) VCF-style: chr16-3900845-G-C.
Other names: c.251C>G, p.Pro84Arg (NM_001079846.1); short protein forms P84R.
Identifiers: ClinVar variation 3356984 (VCV003356984.1).
Genomic context (GRCh38, chr16:3,850,844, plus strand): 5'-TGAGCCTGGCCACCCAGGCCCTGCTGCACGGGGCTGCTGGCGCTCACATTTCCTATTCCT[G>C]GGTTGATACTAGAGCCGCTGCCTCCTCGTAGAAGCTCCGACAGTTGTTTATGTTTGGAAG-3'
Protein context (NP_004371.2, residues 74-94): LRGGSGSSIN[Pro84Arg]GIGNVSASSP